The following is an entry in ClinVar:

NM_032119.4(ADGRV1):c.3848T>C (p.Leu1283Pro)

Gene: ADGRV1 (adhesion G protein-coupled receptor V1; plus strand). Cytogenetic location: 5q14.3.
Variant type: single nucleotide variant.
Coding change: c.3848T>C on transcript NM_032119.4 (MANE Select); coding-DNA position 3848, T replaced by C.
Protein change: p.Leu1283Pro; replaces leucine 1283 with proline.
Molecular consequence: missense variant. On other transcripts: non-coding transcript variant (1).
Genome position (GRCh38, 1-based): chr5:90,653,422, T>C. VCF-style: chr5-90653422-T-C. GRCh37 (hg19) VCF-style: chr5-89949239-T-C.
Other names: short protein forms L1283P.
Identifiers: ClinVar variation 1956212 (VCV001956212.5), dbSNP rs2532086645, ClinGen allele CA360399321.

ClinVar aggregate classification (germline): Uncertain significance (1 of 4 stars; one submission).

Submission:

Labcorp Genetics (formerly Invitae), Labcorp
Classification: Uncertain significance. Last evaluated: 2022-10-18. Review status: criteria provided, single submitter. Criteria: Invitae Variant Classification Sherloc (09022015). Collection method: clinical testing. Allele origin: germline.
Comment: In summary, the available evidence is currently insufficient to determine the role of this variant in disease. Therefore, it has been classified as a Variant of Uncertain Significance. Advanced modeling of protein sequence and biophysical properties (such as structural, functional, and spatial information, amino acid conservation, physicochemical variation, residue mobility, and thermodynamic stability) has been performed at Invitae for this missense variant, however the output from this modeling did not meet the statistical confidence thresholds required to predict the impact of this variant on ADGRV1 protein function. This variant has not been reported in the literature in individuals affected with ADGRV1-related conditions. This variant is not present in population databases (gnomAD no frequency). This sequence change replaces leucine, which is neutral and non-polar, with proline, which is neutral and non-polar, at codon 1283 of the ADGRV1 protein (p.Leu1283Pro).